The following is an entry in ClinVar:

ClinVar aggregate classification (germline): Uncertain significance (1 of 4 stars; one submission).

Conditions:
Hereditary cancer-predisposing syndrome. Also called: Neoplastic Syndromes, Hereditary; Hereditary Cancer Syndrome; Tumor predisposition; Hereditary neoplastic syndrome. Identifiers: Orphanet 140162, MedGen C0027672, MeSH D009386, MONDO:0015356.

Submission:

Ambry Genetics
Classification: Uncertain significance for Hereditary cancer-predisposing syndrome. Last evaluated: 2024-12-20. Review status: criteria provided, single submitter. Criteria: Ambry Variant Classification Scheme 2023. Collection method: clinical testing. Allele origin: germline.
Comment: The p.E1421G variant (also known as c.4262A>G), located in coding exon 23 of the PTCH1 gene, results from an A to G substitution at nucleotide position 4262. The glutamic acid at codon 1421 is replaced by glycine, an amino acid with similar properties. This amino acid position is conserved. In addition, this alteration is predicted to be tolerated by in silico analysis. Based on the available evidence, the clinical significance of this variant remains unclear.

NM_000264.5(PTCH1):c.4262A>G (p.Glu1421Gly)

Gene: PTCH1 (patched 1; minus strand). Cytogenetic location: 9q22.32.
Variant type: single nucleotide variant.
Coding change: c.4262A>G on transcript NM_000264.5 (MANE Select); coding-DNA position 4262, A replaced by G.
Protein change: p.Glu1421Gly; replaces glutamic acid 1421 with glycine.
Molecular consequence: missense variant. On other transcripts: non-coding transcript variant (1).
Genome position (GRCh38, 1-based): chr9:95,446,994, T>C on the plus strand (A>G on the coding strand, the complement: PTCH1 is on the minus strand). VCF-style: chr9-95446994-T-C. GRCh37 (hg19) VCF-style: chr9-98209276-T-C.
Other names: c.4064A>G, p.Glu1355Gly (NM_001083602.3); c.4259A>G, p.Glu1420Gly (NM_001083603.3); c.3809A>G, p.Glu1270Gly (NM_001083604.3, NM_001083605.3, NM_001083606.3 and 1 more transcripts); c.4106A>G, p.Glu1369Gly (NM_001354918.2); short protein forms E1369G, E1420G, E1270G, E1355G, E1421G.
Identifiers: ClinVar variation 3784578 (VCV003784578.1).
Genomic context (GRCh38, chr9:95,446,994, plus strand): 5'-GGCCTCTCCTCGCATTCCACGTCCTGCAGCTCAATGACTTCCACCTTCGAATCCCTCCTC[T>C]CACACCGGACGTGGAAAGGCACGTGGGGGTCCTCAAACAGGCCGTGGTCAGTCTCAGGGT-3'
Protein context (NP_000255.2, residues 1411-1431): DPHVPFHVRC[Glu1421Gly]RRDSKVEVIE